The following is an entry in ClinVar:

ClinVar aggregate classification (germline): Conflicting classifications of pathogenicity. Review status: criteria provided, conflicting classifications (1 of 4 stars). 3 submissions from 3 submitters: Uncertain significance (2); Likely benign (1). Last evaluated 2025-04-03.

Conditions:
Inborn genetic diseases. Identifiers: MedGen C0950123, MeSH D030342.

Allele frequency attached by ClinVar (database versions not stated): ESP Exome Variant Server 0.00008; gnomAD exomes 0.00010; 1000 Genomes Project 30x 0.00016; 1000 Genomes Project 0.00020.
gnomAD v4.1: 364 of 1,567,770 alleles (0.023%); highest among the groups gnomAD compares: Non-Finnish European, 0.03%; no homozygotes.

Submissions (3):

Ambry Genetics
Classification: Uncertain significance for Inborn genetic diseases. Last evaluated: 2025-04-03. Review status: criteria provided, single submitter. Criteria: Ambry Variant Classification Scheme 2023. Collection method: clinical testing. Allele origin: germline.

Blueprint Genetics
Classification: Likely benign. Last evaluated: 2024-09-17. Review status: criteria provided, single submitter. Criteria: ACMG Guidelines, 2015. Collection method: clinical testing. Allele origin: germline.

Labcorp Genetics (formerly Invitae), Labcorp
Classification: Uncertain significance. Last evaluated: 2022-08-22. Review status: criteria provided, single submitter. Criteria: Invitae Variant Classification Sherloc (09022015). Collection method: clinical testing. Allele origin: germline.
Comment: This sequence change replaces alanine, which is neutral and non-polar, with threonine, which is neutral and polar, at codon 35 of the CANT1 protein (p.Ala35Thr). This variant is present in population databases (rs199950703, gnomAD 0.02%). This variant has not been reported in the literature in individuals affected with CANT1-related conditions. ClinVar contains an entry for this variant (Variation ID: 1422807). Algorithms developed to predict the effect of missense changes on protein structure and function output the following: SIFT: "Tolerated"; PolyPhen-2: "Benign"; Align-GVGD: "Class C0". The threonine amino acid residue is found in multiple mammalian species, which suggests that this missense change does not adversely affect protein function. In summary, the available evidence is currently insufficient to determine the role of this variant in disease. Therefore, it has been classified as a Variant of Uncertain Significance.

NM_001159773.2(CANT1):c.103G>A (p.Ala35Thr)

Gene: CANT1 (calcium activated nucleotidase 1; minus strand). Cytogenetic location: 17q25.3.
Variant type: single nucleotide variant.
Coding change: c.103G>A on transcript NM_001159773.2 (MANE Select); coding-DNA position 103, G replaced by A.
Protein change: p.Ala35Thr; replaces alanine 35 with threonine.
Molecular consequence: missense variant.
Genome position (GRCh38, 1-based): chr17:78,997,520, C>T on the plus strand (G>A on the coding strand, the complement: CANT1 is on the minus strand). VCF-style: chr17-78997520-C-T. GRCh37 (hg19) VCF-style: chr17-76993602-C-T.
Other names: c.103G>A, p.Ala35Thr (NM_001159772.2, NM_138793.4); c.103G>A (NM_138793.3); short protein forms A35T.
Identifiers: ClinVar variation 1422807 (VCV001422807.8), dbSNP rs199950703, ClinGen allele CA8808822.